The following is an entry in ClinVar:

ClinVar aggregate classification (germline): Pathogenic (1 of 4 stars; one submission).

Conditions:
Microcephaly 7, primary, autosomal recessive. Identifiers: Orphanet 2512, MedGen C2675187, MONDO:0012989, OMIM 612703.

Submission:

Variantyx, Inc.
Classification: Pathogenic for Microcephaly 7, primary, autosomal recessive. Last evaluated: 2025-06-30. Review status: criteria provided, single submitter. Criteria: Variantyx Assertion Criteria 2022. Collection method: clinical testing. Allele origin: germline. Inheritance: Autosomal recessive inheritance. Affected: yes.
Comment: This is a nonsense variant in the STIL gene (OMIM: 181590). Pathogenic variants in this gene have been associated with autosomal recessive primary microcephaly 7. This variant has not been reported in individuals with STIL-related disorders in the databases available for review. It introduces a premature termination codon in exon 16 out of 17 and is expected to result in loss of function, which is a known disease mechanism for STIL in this disorder (PMID: 24986681, 33132204) (PVS1). This variant is absent from control populations (PM2). The clinical symptoms reported for this proband are highly specific for autosomal recessive primary microcephaly 7, which has a limited genetic etiology (PMIDs: 33132204) (PP4). Based on the current evidence, this variant is classified as pathogenic for autosomal recessive primary microcephaly 7.

Literature cited by the submitters: PubMed 24986681; PubMed 33132204.

NM_001048166.1(STIL):c.2960C>G (p.Ser987Ter)

Gene: STIL (STIL centriolar assembly protein; minus strand). Cytogenetic location: 1p33.
Variant type: single nucleotide variant.
Coding change: c.2960C>G on transcript NM_001048166.1 (MANE Select); coding-DNA position 2960, C replaced by G.
Protein change: p.Ser987Ter; replaces serine 987 with a stop codon.
Molecular consequence: nonsense.
Genome position (GRCh38, 1-based): chr1:47,260,409, G>C on the plus strand (C>G on the coding strand, the complement: STIL is on the minus strand). VCF-style: chr1-47260409-G-C. GRCh37 (hg19) VCF-style: chr1-47726081-G-C.
Other names: c.2957C>G, p.Ser986Ter (NM_001282936.1, NM_003035.2); c.2906C>G, p.Ser969Ter (NM_001282937.1); c.2819C>G, p.Ser940Ter (NM_001282938.1, NM_001377417.1); c.2765C>G, p.Ser922Ter (NM_001282939.1); short protein forms S922*, S940*, S969*, S986*, S987*.
Identifiers: ClinVar variation 4813075 (VCV004813075.1).